The following is an entry in ClinVar:

ClinVar aggregate classification (germline): Uncertain significance (1 of 4 stars; one submission).

Allele frequency attached by ClinVar (database versions not stated): gnomAD exomes below 0.00001; TOPMed below 0.00001; gnomAD 0.00001.
gnomAD v4.1: 9 of 1,613,960 alleles (0.00056%); highest among the groups gnomAD compares: East Asian, 0.0022%; no homozygotes.

Submission:

Labcorp Genetics (formerly Invitae), Labcorp
Classification: Uncertain significance. Last evaluated: 2023-01-26. Review status: criteria provided, single submitter. Criteria: Invitae Variant Classification Sherloc (09022015). Collection method: clinical testing. Allele origin: germline.
Comment: In summary, the available evidence is currently insufficient to determine the role of this variant in disease. Therefore, it has been classified as a Variant of Uncertain Significance. Advanced modeling of protein sequence and biophysical properties (such as structural, functional, and spatial information, amino acid conservation, physicochemical variation, residue mobility, and thermodynamic stability) performed at Invitae indicates that this missense variant is not expected to disrupt DNAH9 protein function. This variant has not been reported in the literature in individuals affected with DNAH9-related conditions. This variant is present in population databases (no rsID available, gnomAD 0.06%). This sequence change replaces isoleucine, which is neutral and non-polar, with valine, which is neutral and non-polar, at codon 3708 of the DNAH9 protein (p.Ile3708Val).

NM_001372.4(DNAH9):c.11122A>G (p.Ile3708Val)

Gene: DNAH9 (dynein axonemal heavy chain 9; plus strand). Cytogenetic location: 17p12.
Variant type: single nucleotide variant.
Coding change: c.11122A>G on transcript NM_001372.4 (MANE Select); coding-DNA position 11122, A replaced by G.
Protein change: p.Ile3708Val; replaces isoleucine 3708 with valine.
Molecular consequence: missense variant.
Genome position (GRCh38, 1-based): chr17:11,891,786, A>G. VCF-style: chr17-11891786-A-G. GRCh37 (hg19) VCF-style: chr17-11795103-A-G.
Other names: c.58A>G, p.Ile20Val (NM_004662.2); short protein forms I3708V, I20V.
Identifiers: ClinVar variation 2980709 (VCV002980709.3), dbSNP rs1480739553, ClinGen allele CA398200103.